The following is an entry in ClinVar:

NM_005055.5(RAPSN):c.70A>G (p.Lys24Glu)

Gene: RAPSN (receptor associated protein of the synapse; minus strand). Cytogenetic location: 11p11.2.
Variant type: single nucleotide variant.
Coding change: c.70A>G on transcript NM_005055.5 (MANE Select); coding-DNA position 70, A replaced by G.
Protein change: p.Lys24Glu; replaces lysine 24 with glutamic acid.
Molecular consequence: missense variant.
Genome position (GRCh38, 1-based): chr11:47,448,895, T>C on the plus strand (A>G on the coding strand, the complement: RAPSN is on the minus strand). VCF-style: chr11-47448895-T-C. GRCh37 (hg19) VCF-style: chr11-47470447-T-C.
Other names: c.70A>G, p.Lys24Glu (NM_032645.5); short protein forms K24E.
Identifiers: ClinVar variation 1315131 (VCV001315131.3), dbSNP rs1283625567, ClinGen allele CA380336995.
Genomic context (GRCh38, chr11:47,448,895, plus strand): 5'-GGAAGCGCCCCATGAGGTCCGAGCTCTTCTCCAGCACCTTTGTCCACACCTGCAATGCCT[T>C]CTCTGTCTGGTTGGACTGGTACAGCTGGAGCCCCTTCTCGATCTGCTGCTTGGTCTGGTC-3'
Protein context (NP_005046.2, residues 14-34): LQLYQSNQTE[Lys24Glu]ALQVWTKVLE

ClinVar aggregate classification (germline): Uncertain significance. Review status: criteria provided, multiple submitters, no conflicts (2 of 4 stars). 2 submissions from 2 submitters: Uncertain significance (2). Last evaluated 2025-06-07.

Conditions:
Inborn genetic diseases. Identifiers: MedGen C0950123, MeSH D030342.

Allele frequency attached by ClinVar (database versions not stated): gnomAD exomes 0.00002; TOPMed 0.00002; gnomAD 0.00001.
gnomAD v4.1: 31 of 1,614,062 alleles (0.0019%); highest among the groups gnomAD compares: African/African-American, 0.0027%; no homozygotes.

Submissions (2):

Ambry Genetics
Classification: Uncertain significance for Inborn genetic diseases. Last evaluated: 2025-06-07. Review status: criteria provided, single submitter. Criteria: Ambry Variant Classification Scheme 2023. Collection method: clinical testing. Allele origin: germline.

GeneDx
Classification: Uncertain significance. Last evaluated: 2020-01-27. Review status: criteria provided, single submitter. Criteria: GeneDx Variant Classification Process June 2021. Collection method: clinical testing. Allele origin: germline. Affected: yes.
Comment: Has not been previously published as pathogenic or benign to our knowledge; Not observed at a significant frequency in large population cohorts (Lek et al., 2016); In silico analysis, which includes protein predictors and evolutionary conservation, supports that this variant does not alter protein structure/function